The following is an entry in ClinVar:

NM_002230.4(JUP):c.633C>A (p.Asn211Lys)

Gene: JUP (junction plakoglobin; minus strand). Cytogenetic location: 17q21.2.
Variant type: single nucleotide variant.
Coding change: c.633C>A on transcript NM_002230.4 (MANE Select); coding-DNA position 633, C replaced by A.
Protein change: p.Asn211Lys; replaces asparagine 211 with lysine.
Molecular consequence: missense variant.
Genome position (GRCh38, 1-based): chr17:41,769,043, G>T on the plus strand (C>A on the coding strand, the complement: JUP is on the minus strand). VCF-style: chr17-41769043-G-T. GRCh37 (hg19) VCF-style: chr17-39925295-G-T.
Other names: c.633C>A, p.Asn211Lys (NM_001352773.2, NM_001352774.2, NM_001352775.2 and 3 more transcripts); short protein forms N211K.
Identifiers: ClinVar variation 1285047 (VCV001285047.4), dbSNP rs372145644, ClinGen allele CA8565429.
Genomic context (GRCh38, chr17:41,769,043, plus strand): 5'-CAGAGCAGGGATGCCACCCGACTTGAAGATGGCGAGCAGCCCCTCCCGGTGGTGGGAGAG[G>T]TTGTGCAGGATGCTGGTGGTGCAGCGGGCTGTGTCCAGGTCGCTGGTATTCTGCATGGTA-3'
Protein context (NP_002221.1, residues 201-221): TARCTTSILH[Asn211Lys]LSHHREGLLA

ClinVar aggregate classification (germline): Uncertain significance. Review status: criteria provided, single submitter (1 of 4 stars). 3 submissions from 3 submitters: Uncertain significance (1). 2 of the submissions do not count toward it. Last evaluated 2025-12-14.

Conditions:
Arrhythmogenic right ventricular dysplasia 12. Also called: ARRHYTHMOGENIC RIGHT VENTRICULAR DYSPLASIA, FAMILIAL, 12. Identifiers: MedGen C1969081, MONDO:0012684, OMIM 611528.
Naxos disease (NXD). Also called: PALMOPLANTAR KERATODERMA WITH ARRHYTHMOGENIC RIGHT VENTRICULAR CARDIOMYOPATHY AND WOOLLY HAIR; WOOLLY HAIR, PALMOPLANTAR KERATODERMA, AND CARDIAC ABNORMALITIES; KERATOSIS PALMOPLANTARIS WITH ARRHYTHMOGENIC CARDIOMYOPATHY; MAL DE NAXOS; CARDIOMYOPATHY, ARRHYTHMOGENIC RIGHT VENTRICULAR, WITH SKIN, HAIR, AND NAIL ABNORMALITIES. Identifiers: Orphanet 34217, MedGen C1832600, MONDO:0011017, OMIM 601214.

gnomAD v4.1: 4 of 1,613,082 alleles (0.00025%); highest among the groups gnomAD compares: Non-Finnish European, 0.00034%; no homozygotes.

Submissions (3):

Labcorp Genetics (formerly Invitae), Labcorp
Classification: Uncertain significance for Arrhythmogenic right ventricular dysplasia 12; Naxos disease. Last evaluated: 2025-12-14. Review status: criteria provided, single submitter. Criteria: Invitae Variant Classification Sherloc (09022015). Collection method: clinical testing. Allele origin: germline.
Comment: This sequence change replaces asparagine, which is neutral and polar, with lysine, which is basic and polar, at codon 211 of the JUP protein (p.Asn211Lys). The frequency data for this variant in the population databases is considered unreliable, as metrics indicate poor data quality at this position in the gnomAD database. This variant has not been reported in the literature in individuals affected with JUP-related conditions. ClinVar contains an entry for this variant (Variation ID: 1285047). An algorithm developed to predict the effect of missense changes on protein structure and function (PolyPhen-2) suggests that this variant is likely to be tolerated. In summary, the available evidence is currently insufficient to determine the role of this variant in disease. Therefore, it has been classified as a Variant of Uncertain Significance.

Genome Diagnostics Laboratory, University Medical Center Utrecht
Classification: Uncertain significance. Review status: no assertion criteria provided. Collection method: clinical testing. Allele origin: germline. Affected: yes. Study: VKGL Data-share Consensus. Not counted in ClinVar's aggregate classification.

Joint Genome Diagnostic Labs from Nijmegen and Maastricht, Radboudumc and MUMC+
Classification: Uncertain significance. Review status: no assertion criteria provided. Collection method: clinical testing. Allele origin: germline. Affected: yes. Study: VKGL Data-share Consensus. Not counted in ClinVar's aggregate classification.